The following is an entry in ClinVar:

NM_030948.6(PHACTR1):c.1551G>T (p.Lys517Asn)

Genes: TBC1D7-LOC100130357 (TBC1D7-LOC100130357 readthrough; minus strand), PHACTR1 (phosphatase and actin regulator 1; plus strand), LOC100130357 (uncharacterized LOC100130357; minus strand). Cytogenetic location: 6p24.1.
Variant type: single nucleotide variant.
Coding change: c.1551G>T on transcript NM_030948.6 (MANE Select); coding-DNA position 1551, G replaced by T.
Protein change: p.Lys517Asn; replaces lysine 517 with asparagine.
Molecular consequence: missense variant. On other transcripts: intron variant (1).
Genome position (GRCh38, 1-based): chr6:13,283,463, G>T. VCF-style: chr6-13283463-G-T. GRCh37 (hg19) VCF-style: chr6-13283695-G-T.
Other names: c.1551G>T, p.Lys517Asn (NM_001242648.4, NM_001322308.3, NM_001322309.3 and 1 more transcripts); c.1758G>T, p.Lys586Asn (NM_001322310.2); c.1275G>T, p.Lys425Asn (NM_001322311.2, NM_001322312.3, NM_001374583.2); c.1482G>T, p.Lys494Asn (NM_001322313.2); c.1761G>T, p.Lys587Asn (NM_001322314.4); c.*40-15628C>A (NM_001318809.2); short protein forms K425N, K494N, K517N, K586N, K587N.
Identifiers: ClinVar variation 3766043 (VCV003766043.1).

ClinVar aggregate classification (germline): Uncertain significance (1 of 4 stars; one submission).

Submission:

GeneDx
Classification: Uncertain significance. Last evaluated: 2024-09-03. Review status: criteria provided, single submitter. Criteria: GeneDx Variant Classification Process June 2021. Collection method: clinical testing. Allele origin: germline. Affected: yes.
Comment: Not observed at significant frequency in large population cohorts (gnomAD); In silico analysis supports that this missense variant has a deleterious effect on protein structure/function; Has not been previously published as pathogenic or benign to our knowledge